The following is an entry in ClinVar:

ClinVar aggregate classification (germline): Uncertain significance (1 of 4 stars; one submission).

Submission:

Labcorp Genetics (formerly Invitae), Labcorp
Classification: Uncertain significance. Last evaluated: 2022-10-04. Review status: criteria provided, single submitter. Criteria: Invitae Variant Classification Sherloc (09022015). Collection method: clinical testing. Allele origin: germline.
Comment: This variant is not present in population databases (gnomAD no frequency). This variant has not been reported in the literature in individuals affected with SLC7A14-related conditions. This sequence change replaces leucine, which is neutral and non-polar, with phenylalanine, which is neutral and non-polar, at codon 486 of the SLC7A14 protein (p.Leu486Phe). In summary, the available evidence is currently insufficient to determine the role of this variant in disease. Therefore, it has been classified as a Variant of Uncertain Significance. Algorithms developed to predict the effect of missense changes on protein structure and function are either unavailable or do not agree on the potential impact of this missense change (SIFT: "Tolerated"; PolyPhen-2: "Possibly Damaging"; Align-GVGD: "Class C0").

NM_020949.3(SLC7A14):c.1458A>T (p.Leu486Phe)

Genes: SLC7A14 (solute carrier family 7 member 14; minus strand), SLC7A14-AS1 (SLC7A14 antisense RNA 1; plus strand). Cytogenetic location: 3q26.2.
Variant type: single nucleotide variant.
Coding change: c.1458A>T on transcript NM_020949.3 (MANE Select); coding-DNA position 1458, A replaced by T.
Protein change: p.Leu486Phe; replaces leucine 486 with phenylalanine.
Molecular consequence: missense variant.
Genome position (GRCh38, 1-based): chr3:170,480,824, T>A on the plus strand (A>T on the coding strand, the complement: SLC7A14 is on the minus strand). VCF-style: chr3-170480824-T-A. GRCh37 (hg19) VCF-style: chr3-170198613-T-A.
Other names: short protein forms L486F.
Identifiers: ClinVar variation 2133179 (VCV002133179.4), dbSNP rs2473367794, ClinGen allele CA355490213.
Genomic context (GRCh38, chr3:170,480,824, plus strand): 5'-GACGTTGTAGGTTGACTTGTCTGATTTCCCTATGAGCATCTCATTGTCTCCCAAGGATGG[T>A]AAGTTCTTGGCCCCACATGTGTTGGTGGCTGGGCCAGAAAACTCATCCCCCTCACTCACA-3'
Protein context (NP_066000.2, residues 476-496): PATNTCGAKN[Leu486Phe]PSLGDNEMLI